The following is an entry in ClinVar:

NM_199420.4(POLQ):c.229C>A (p.Pro77Thr)

Gene: POLQ (DNA polymerase theta; minus strand). Cytogenetic location: 3q13.33.
Variant type: single nucleotide variant.
Coding change: c.229C>A on transcript NM_199420.4 (MANE Select); coding-DNA position 229, C replaced by A.
Protein change: p.Pro77Thr; replaces proline 77 with threonine.
Molecular consequence: missense variant.
Genome position (GRCh38, 1-based): chr3:121,544,841, G>T on the plus strand (C>A on the coding strand, the complement: POLQ is on the minus strand). VCF-style: chr3-121544841-G-T. GRCh37 (hg19) VCF-style: chr3-121263688-G-T.
Other names: short protein forms P77T.
Identifiers: ClinVar variation 1789221 (VCV001789221.3), dbSNP rs1391538395, ClinGen allele CA354094741.

ClinVar aggregate classification (germline): Uncertain significance (1 of 4 stars; one submission).

Allele frequency attached by ClinVar (database versions not stated): TOPMed 0.00002; gnomAD 0.00003.
gnomAD v4.1: 6 of 1,611,446 alleles (0.00037%); highest among the groups gnomAD compares: African/African-American, 0.0013%; no homozygotes.

Submission:

Ambry Genetics
Classification: Uncertain significance. Last evaluated: 2024-04-29. Review status: criteria provided, single submitter. Criteria: Ambry Variant Classification Scheme 2023. Collection method: clinical testing. Allele origin: germline.
Comment: The p.P77T variant (also known as c.229C>A), located in coding exon 2 of the POLQ gene, results from a C to A substitution at nucleotide position 229. The proline at codon 77 is replaced by threonine, an amino acid with highly similar properties. This amino acid position is conserved. In addition, the in silico prediction for this alteration is inconclusive. Since supporting evidence is limited at this time, the clinical significance of this alteration remains unclear.